The following is an entry in ClinVar:

ClinVar aggregate classification (germline): Uncertain significance (1 of 4 stars; one submission).

Conditions:
Alpha-methylacyl-CoA racemase deficiency (AMACRD). Also called: AMACR deficiency. Identifiers: Orphanet 79095, MedGen C3280428, MONDO:0013681, OMIM 614307. Disease mechanism: loss of function.

Submission:

Labcorp Genetics (formerly Invitae), Labcorp
Classification: Uncertain significance for Alpha-methylacyl-CoA racemase deficiency. Last evaluated: 2023-08-04. Review status: criteria provided, single submitter. Criteria: Invitae Variant Classification Sherloc (09022015). Collection method: clinical testing. Allele origin: germline.
Comment: In summary, the available evidence is currently insufficient to determine the role of this variant in disease. Therefore, it has been classified as a Variant of Uncertain Significance. Advanced modeling of protein sequence and biophysical properties (such as structural, functional, and spatial information, amino acid conservation, physicochemical variation, residue mobility, and thermodynamic stability) performed at Invitae indicates that this missense variant is expected to disrupt AMACR protein function. ClinVar contains an entry for this variant (Variation ID: 2012723). This variant has not been reported in the literature in individuals affected with AMACR-related conditions. This variant is not present in population databases (gnomAD no frequency). This sequence change replaces methionine, which is neutral and non-polar, with isoleucine, which is neutral and non-polar, at codon 85 of the AMACR protein (p.Met85Ile).

NM_014324.6(AMACR):c.255G>A (p.Met85Ile)

Genes: AMACR (alpha-methylacyl-CoA racemase; minus strand), C1QTNF3-AMACR (C1QTNF3-AMACR readthrough (NMD candidate); minus strand). Cytogenetic location: 5p13.2.
Variant type: single nucleotide variant.
Coding change: c.255G>A on transcript NM_014324.6 (MANE Select); coding-DNA position 255, G replaced by A.
Protein change: p.Met85Ile; replaces methionine 85 with isoleucine.
Molecular consequence: missense variant. On other transcripts: non-coding transcript variant (1).
Genome position (GRCh38, 1-based): chr5:34,005,892, C>T on the plus strand (G>A on the coding strand, the complement: AMACR is on the minus strand). VCF-style: chr5-34005892-C-T. GRCh37 (hg19) VCF-style: chr5-34005997-C-T.
Other names: c.255G>A, p.Met85Ile (NM_001167595.2, NM_203382.3); short protein forms M85I.
Identifiers: ClinVar variation 2012723 (VCV002012723.4), dbSNP rs2479023979, ClinGen allele CA359384132.